The following is an entry in ClinVar:

ClinVar aggregate classification (germline): Uncertain significance (1 of 4 stars; one submission).

Submission:

Labcorp Genetics (formerly Invitae), Labcorp
Classification: Uncertain significance. Last evaluated: 2025-07-31. Review status: criteria provided, single submitter. Criteria: Invitae Variant Classification Sherloc (09022015). Collection method: clinical testing. Allele origin: germline.
Comment: This sequence change replaces aspartic acid, which is acidic and polar, with asparagine, which is neutral and polar, at codon 906 of the NRIP1 protein (p.Asp906Asn). This variant is not present in population databases (gnomAD no frequency). This variant has not been reported in the literature in individuals affected with NRIP1-related conditions. ClinVar contains an entry for this variant (Variation ID: 3687975). An algorithm developed to predict the effect of missense changes on protein structure and function (PolyPhen-2) suggests that this variant is likely to be disruptive. In summary, the available evidence is currently insufficient to determine the role of this variant in disease. Therefore, it has been classified as a Variant of Uncertain Significance.

NM_003489.4(NRIP1):c.2716G>A (p.Asp906Asn)

Gene: NRIP1 (nuclear receptor interacting protein 1; minus strand). Cytogenetic location: 21q11.2.
Variant type: single nucleotide variant.
Coding change: c.2716G>A on transcript NM_003489.4 (MANE Select); coding-DNA position 2716, G replaced by A.
Protein change: p.Asp906Asn; replaces aspartic acid 906 with asparagine.
Molecular consequence: missense variant.
Genome position (GRCh38, 1-based): chr21:14,965,477, C>T on the plus strand (G>A on the coding strand, the complement: NRIP1 is on the minus strand). VCF-style: chr21-14965477-C-T. GRCh37 (hg19) VCF-style: chr21-16337798-C-T.
Other names: short protein forms D906N.
Identifiers: ClinVar variation 3687975 (VCV003687975.2).